The following is an entry in ClinVar:

ClinVar aggregate classification (germline): Pathogenic (1 of 4 stars; one submission).

Conditions:
Nephrotic syndrome, type 9 (NPHS9). Identifiers: Orphanet 656, MedGen C3809965, MONDO:0014257, OMIM 615573.

Submission:

Precision Medicine Center, Zhengzhou University
Classification: Pathogenic for Nephrotic syndrome, type 9. Last evaluated: 2023-12-01. Review status: criteria provided, single submitter. Criteria: ACMG Guidelines, 2015. Collection method: clinical testing. Allele origin: maternal. Affected: yes.
Comment: PVS1,PM2_p

NM_024876.4(COQ8B):c.1297-2A>G

Gene: COQ8B (coenzyme Q8B; minus strand). Cytogenetic location: 19q13.2.
Variant type: single nucleotide variant.
Coding change: c.1297-2A>G on transcript NM_024876.4 (MANE Select); the canonical splice acceptor site of the intron before coding-DNA position 1297, A replaced by G.
Molecular consequence: splice acceptor variant.
Genome position (GRCh38, 1-based): chr19:40,692,375, T>C on the plus strand (A>G on the coding strand, the complement: COQ8B is on the minus strand). VCF-style: chr19-40692375-T-C. GRCh37 (hg19) VCF-style: chr19-41198280-T-C.
Other names: c.1174-2A>G (NM_001142555.3).
Identifiers: ClinVar variation 2681741 (VCV002681741.2), dbSNP rs1599922006.